The following is an entry in ClinVar:

NM_000363.5(TNNI3):c.150+13G>T

Gene: TNNI3 (troponin I3, cardiac type; minus strand). Cytogenetic location: 19q13.42.
Variant type: single nucleotide variant.
Coding change: c.150+13G>T on transcript NM_000363.5 (MANE Select); 13 bases into the intron after coding-DNA position 150, G replaced by T.
Molecular consequence: intron variant.
Genome position (GRCh38, 1-based): chr19:55,156,590, C>A on the plus strand (G>T on the coding strand, the complement: TNNI3 is on the minus strand). VCF-style: chr19-55156590-C-A. GRCh37 (hg19) VCF-style: chr19-55667958-C-A.
Identifiers: ClinVar variation 228017 (VCV000228017.5), dbSNP rs73617692, ClinGen allele CA050351.

ClinVar aggregate classification (germline): Likely benign (1 of 4 stars; one submission).

gnomAD v4.1: 16 of 1,560,074 alleles (0.001%); highest among the groups gnomAD compares: South Asian, 0.018%; no homozygotes.

Submission:

Laboratory for Molecular Medicine, Mass General Brigham Personalized Medicine
Classification: Likely benign. Last evaluated: 2015-11-09. Review status: criteria provided, single submitter. Criteria: LMM Criteria. Collection method: clinical testing. Allele origin: germline. Observed: 1 variant allele.
Comment: c.150+13G>T in intron 4 of TNNI3: This variant is not expected to have clinical significance because it is not located within the splice consensus sequence. It has been identified in 3/8160 of South Asian chromosomes by the Exome Aggregati on Consortium (ExAC; dbSNP rs73617692).